The following is an entry in ClinVar:

NM_001394531.1(WDFY4):c.9216C>T (p.Cys3072=)

Gene: WDFY4 (WDFY family member 4; plus strand). Cytogenetic location: 10q11.23.
Variant type: single nucleotide variant.
Coding change: c.9216C>T on transcript NM_001394531.1 (MANE Select); coding-DNA position 9216, C replaced by T.
Protein change: p.Cys3072=; no amino-acid change (cysteine 3072 retained).
Molecular consequence: synonymous variant.
Genome position (GRCh38, 1-based): chr10:48,976,904, C>T. VCF-style: chr10-48976904-C-T. GRCh37 (hg19) VCF-style: chr10-50184949-C-T.
Other names: c.9216C>T, p.Cys3072= (NM_020945.2).
Identifiers: ClinVar variation 3059895 (VCV003059895.2), dbSNP rs2271565, ClinGen allele CA5493244.

ClinVar aggregate classification (germline): Benign (0 of 4 stars; one submission).

Conditions:
WDFY4-related disorder. Also called: WDFY4-related condition.

Allele frequency attached by ClinVar (database versions not stated): 1000 Genomes Project 30x 0.33104; 1000 Genomes Project 0.33427; TOPMed 0.36084; gnomAD 0.37454; ESP Exome Variant Server 0.38371; ExAC 0.44512; gnomAD exomes 0.48560.
gnomAD v4.1: 728,115 of 1,537,308 alleles (47%); highest among the groups gnomAD compares: Non-Finnish European, 51%; 179,851 homozygotes.

Submission:

PreventionGenetics, part of Exact Sciences
Classification: Benign for WDFY4-related condition. Last evaluated: 2023-06-28. Review status: no assertion criteria provided. Collection method: clinical testing. Allele origin: germline.
Comment: This variant is classified as benign based on ACMG/AMP sequence variant interpretation guidelines (Richards et al. 2015 PMID: 25741868, with internal and published modifications).